The following is an entry in ClinVar:

NM_020117.11(LARS1):c.2770-2A>G

Gene: LARS1 (leucyl-tRNA synthetase 1; minus strand). Cytogenetic location: 5q32.
Variant type: single nucleotide variant.
Coding change: c.2770-2A>G on transcript NM_020117.11 (MANE Select); the canonical splice acceptor site of the intron before coding-DNA position 2770, A replaced by G.
Molecular consequence: splice acceptor variant.
Genome position (GRCh38, 1-based): chr5:146,128,784, T>C on the plus strand (A>G on the coding strand, the complement: LARS1 is on the minus strand). VCF-style: chr5-146128784-T-C. GRCh37 (hg19) VCF-style: chr5-145508347-T-C.
Other names: c.2608-2A>G (NM_001317965.2); c.2689-2A>G (NM_016460.4); c.2632-2A>G (NM_001317964.2).
Identifiers: ClinVar variation 1343775 (VCV001343775.12), dbSNP rs139456270, ClinGen allele CA3489226.

ClinVar aggregate classification (germline): Conflicting classifications of pathogenicity. Review status: criteria provided, conflicting classifications (1 of 4 stars). 6 submissions from 6 submitters: Likely pathogenic (5); Uncertain significance (1). Last evaluated 2026-08-06.

Conditions:
Infantile liver failure syndrome 1 (ILFS1). Identifiers: Orphanet 370088, MedGen C3809522, MONDO:0024568, OMIM 615438.
Acute infantile liver failure due to synthesis defect of mtDNA-encoded proteins. Also called: LIVER FAILURE, INFANTILE, TRANSIENT; Liver failure acute infantile; TRMU Deficiency. Identifiers: Orphanet 217371, MedGen C3278664, MONDO:0013111, OMIM 613070.

Allele frequency attached by ClinVar (database versions not stated): gnomAD 0.00009; gnomAD exomes 0.00011 and 0.00015; TOPMed 0.00014; ESP Exome Variant Server 0.00015; ExAC 0.00020.
gnomAD v4.1: 190 of 1,597,536 alleles (0.012%); highest among the groups gnomAD compares: Middle Eastern, 0.15%; no homozygotes.

Submissions (10):

OLLIN Analises Genomicas, OLLIN
Classification: Likely pathogenic for Infantile liver failure syndrome 1. Last evaluated: 2026-08-06. Review status: criteria provided, single submitter. Criteria: ACMG Guidelines 2015 PMID 25741868. Collection method: clinical testing. Allele origin: germline. Inheritance: Autosomal recessive inheritance.
Comment: This variant, located at the canonical splicing site (splice acceptor), has been reported in ClinVar (accession VCV001343775.10) and in gnomAD with an allele frequency of 0.012%. However, to our knowledge, it has not been reported in the scientific literature. This variant is predicted to disrupt a canonical splice site, potentially leading to exon skipping, mRNA degradation via nonsense-mediated decay (NMD), or production of a truncated protein. According to the currently available evidence, this variant has been classified as likely pathogenic (PVS1, PM2_P).

GeneDx
Classification: Likely pathogenic. Last evaluated: 2026-04-09. Review status: criteria provided, single submitter. Criteria: GeneDx Variant Classification Process June 2021. Collection method: clinical testing. Allele origin: germline.
Comment: Canonical splice site variant predicted to result in an in-frame loss of the adjacent exon in a gene for which loss of function is a known mechanism of disease; Has not been previously published as pathogenic or benign to our knowledge

Labcorp Genetics (formerly Invitae), Labcorp
Classification: Likely pathogenic. Last evaluated: 2026-01-24. Review status: criteria provided, single submitter. Criteria: Invitae Variant Classification Sherloc (09022015). Collection method: clinical testing. Allele origin: germline.
Comment: This sequence change affects an acceptor splice site in intron 26 of the LARS gene. It is expected to disrupt RNA splicing. Variants that disrupt the donor or acceptor splice site typically lead to a loss of protein function (PMID: 16199547), and loss-of-function variants in LARS are known to be pathogenic (PMID: 32699352, 33300650). This variant is present in population databases (rs139456270, gnomAD 0.03%). This variant has not been reported in the literature in individuals affected with LARS-related conditions. ClinVar contains an entry for this variant (Variation ID: 1343775). Algorithms developed to predict the effect of sequence changes on RNA splicing suggest that this variant may disrupt the consensus splice site. In summary, the currently available evidence indicates that the variant is pathogenic, but additional data are needed to prove that conclusively. Therefore, this variant has been classified as Likely Pathogenic.

Women's Health and Genetics/Laboratory Corporation of America, LabCorp
Classification: Likely pathogenic for Acute infantile liver failure due to synthesis defect of mtDNA-encoded proteins. Last evaluated: 2025-07-01. Review status: criteria provided, single submitter. Criteria: LabCorp Variant Classification Summary - May 2015. Collection method: clinical testing. Allele origin: germline.
Comment: Variant summary: LARS1 c.2770-2A>G is located in a canonical splice-site and is predicted to affect mRNA splicing resulting in a significantly altered protein due to either exon skipping, shortening, or inclusion of intronic material. Variants that disrupt the consensus splice site are a relatively common cause of aberrant splicing and loss of LARS1 function. Several computational tools predict a significant impact on normal splicing: Four predict the variant abolishes a 3 acceptor site. However, these predictions have yet to be confirmed by functional studies. The variant was absent in 237362 control chromosomes (gnomAD). To our knowledge, no occurrence of c.2770-2A>G in individuals affected with Liver Failure Acute Infantile, Type 1 and no experimental evidence demonstrating its impact on protein function have been reported. ClinVar contains an entry for this variant (Variation ID: 1343775). Based on the evidence outlined above, the variant was classified as likely pathogenic.

First Genomix Gene Laboratory, Genetic Diagnostics Department
Classification: Likely pathogenic for Infantile liver failure syndrome 1. Last evaluated: 2025-06-25. Review status: criteria provided, single submitter. Criteria: ACMG Guidelines, 2015. Collection method: clinical testing. Allele origin: germline. Inheritance: Autosomal recessive inheritance. Affected: no. Observed: 1 variant allele.

Revvity Omics, Revvity
Classification: Uncertain significance for Infantile liver failure syndrome 1. Last evaluated: 2024-10-28. Review status: criteria provided, single submitter. Criteria: ACMG Guidelines, 2015. Collection method: clinical testing. Allele origin: germline.

Dr. Peter K. Rogan Lab, Western University
No classification provided (evidence only). Condition: Familial cancer of breast. Review status: no classification provided. Collection method: in vitro. Allele origin: not applicable. Functional consequence: skipped exon. Not counted in ClinVar's aggregate classification.

Dr. Peter K. Rogan Lab, Western University
No classification provided (evidence only). Condition: Familial cancer of breast. Review status: no classification provided. Collection method: in vitro. Allele origin: not applicable. Functional consequence: skipped exon, retained intron. Not counted in ClinVar's aggregate classification.

Dr. Peter K. Rogan Lab, Western University
No classification provided (evidence only). Condition: Ovarian serous cystadenocarcinoma. Review status: no classification provided. Collection method: in vitro. Allele origin: not applicable. Functional consequence: retained intron. Not counted in ClinVar's aggregate classification.

Dr. Peter K. Rogan Lab, Western University
No classification provided (evidence only). Condition: Gastric cancer. Review status: no classification provided. Collection method: in vitro. Allele origin: not applicable. Functional consequence: retained intron. Not counted in ClinVar's aggregate classification.

Literature cited by the submitters: PubMed 16199547 (cited by Labcorp Genetics (formerly Invitae), Labcorp); PubMed 32699352 (cited by Labcorp Genetics (formerly Invitae), Labcorp); PubMed 33300650 (cited by Labcorp Genetics (formerly Invitae), Labcorp).